The following is an entry in ClinVar:

ClinVar aggregate classification (germline): Uncertain significance (1 of 4 stars; one submission).

Submission:

Ambry Genetics
Classification: Uncertain significance. Last evaluated: 2025-08-29. Review status: criteria provided, single submitter. Criteria: Ambry Variant Classification Scheme 2023. Collection method: clinical testing. Allele origin: germline.
Comment: The p.P14R variant (also known as c.41C>G), located in coding exon 1 of the RINT1 gene, results from a C to G substitution at nucleotide position 41. The proline at codon 14 is replaced by arginine, an amino acid with dissimilar properties. This amino acid position is conserved. In addition, this alteration is predicted to be tolerated by in silico analysis. Based on the available evidence, the clinical significance of this variant remains unclear.

NM_021930.6(RINT1):c.41C>G (p.Pro14Arg)

Gene: RINT1 (RAD50 interactor 1; plus strand). Cytogenetic location: 7q22.3.
Variant type: single nucleotide variant.
Coding change: c.41C>G on transcript NM_021930.6 (MANE Select); coding-DNA position 41, C replaced by G.
Protein change: p.Pro14Arg; replaces proline 14 with arginine.
Molecular consequence: missense variant. On other transcripts: non-coding transcript variant (1), 5 prime UTR variant (4).
Genome position (GRCh38, 1-based): chr7:105,532,356, C>G. VCF-style: chr7-105532356-C-G. GRCh37 (hg19) VCF-style: chr7-105172803-C-G.
Other names: c.-57C>G (NM_001346599.2); c.-979C>G (NM_001346600.2); c.-882C>G (NM_001346601.2); c.-502C>G (NM_001346603.2); short protein forms P14R.
Identifiers: ClinVar variation 4154628 (VCV004154628.1).
Genomic context (GRCh38, chr7:105,532,356, plus strand): 5'-AGGACTCGCGCGGAGGCGAGATGCTACCAGCCGGCGAGATCGGCGCCTCTCCTGCAGCCC[C>G]GGTGAGACGGCCCTGGCGTCCCTGGGAGGGGACATTGGTGGCCCATTGAGGTGGCACAGA-3'
Protein context (NP_068749.3, residues 4-24): AGEIGASPAA[Pro14Arg]CCSESGDERK